The following is an entry in ClinVar:

ClinVar aggregate classification (germline): Likely benign (1 of 4 stars; one submission).

Allele frequency attached by ClinVar (database versions not stated): gnomAD 0.00001; gnomAD exomes 0.00001 and 0.00002; ExAC 0.00003; 1000 Genomes Project 30x 0.00031; 1000 Genomes Project 0.00040.

Submission:

GeneDx
Classification: Likely benign. Last evaluated: 2017-10-10. Review status: criteria provided, single submitter. Criteria: GeneDx Variant Classification (06012015). Collection method: clinical testing. Allele origin: germline. Affected: yes.
Comment: This variant is considered likely benign or benign based on one or more of the following criteria: it is a conservative change, it occurs at a poorly conserved position in the protein, it is predicted to be benign by multiple in silico algorithms, and/or has population frequency not consistent with disease.

NM_153026.3(PRICKLE1):c.2310C>T (p.Ser770=)

Gene: PRICKLE1 (prickle planar cell polarity protein 1; minus strand). Cytogenetic location: 12q12.
Variant type: single nucleotide variant.
Coding change: c.2310C>T on transcript NM_153026.3 (MANE Select); coding-DNA position 2310, C replaced by T.
Protein change: p.Ser770=; no amino-acid change (serine 770 retained).
Molecular consequence: synonymous variant.
Genome position (GRCh38, 1-based): chr12:42,459,995, G>A on the plus strand (C>T on the coding strand, the complement: PRICKLE1 is on the minus strand). VCF-style: chr12-42459995-G-A. GRCh37 (hg19) VCF-style: chr12-42853797-G-A.
Other names: c.2310C>T, p.Ser770= (NM_001144881.2, NM_001144882.2, NM_001144883.2).
Identifiers: ClinVar variation 512527 (VCV000512527.1), dbSNP rs529575327, ClinGen allele CA6519621.